The following is an entry in ClinVar:

ClinVar aggregate classification (germline): Pathogenic (1 of 4 stars; one submission).

Conditions:
Autosomal recessive titinopathy. Identifiers: MedGen CN315649, MONDO:0100493.

Submission:

Myofin, Folkhalsan Research Center
Classification: Pathogenic for Autosomal recessive titinopathy. Last evaluated: 2026-02-06. Review status: criteria provided, single submitter. Criteria: ACMG Guidelines, 2015. Collection method: research. Allele origin: germline. Affected: yes.
Comment: TTN loss-of-function is an established mechanism for autosomal recessive titinopathies. ACMG/AMP criteria applied: PVS1 (predicted loss of function), PM2_Supporting (absent/rare in population databases), and PP4_Supporting (highly consistent clinical phenotype). Overall classification: Pathogenic for recessive titinopathy.

Literature cited by the submitters: DOI 10.1101/2025.07.17.25331136.

NM_001267550.2(TTN):c.62251G>T (p.Glu20751Ter)

Genes: TTN (titin; minus strand), TTN-AS1 (TTN antisense RNA 1; plus strand). Cytogenetic location: 2q31.2.
Variant type: single nucleotide variant.
Coding change: c.62251G>T on transcript NM_001267550.2 (MANE Select); coding-DNA position 62251, G replaced by T.
Protein change: p.Glu20751Ter; replaces glutamic acid 20751 with a stop codon.
Molecular consequence: nonsense.
Genome position (GRCh38, 1-based): chr2:178,589,474, C>A on the plus strand (G>T on the coding strand, the complement: TTN is on the minus strand). VCF-style: chr2-178589474-C-A. GRCh37 (hg19) VCF-style: chr2-179454201-C-A.
Other names: c.57328G>T, p.Glu19110Ter (NM_001256850.1); c.35056G>T, p.Glu11686Ter (NM_003319.4); c.54547G>T, p.Glu18183Ter (NM_133378.4); c.35431G>T, p.Glu11811Ter (NM_133432.3); c.35632G>T, p.Glu11878Ter (NM_133437.4); short protein forms E11811*, E18183*, E20751*, E11878*, E19110*, E11686*.
Identifiers: ClinVar variation 4795231 (VCV004795231.1).